The following is an entry in ClinVar:

ClinVar aggregate classification (germline): Likely benign (0 of 4 stars; one submission).

Conditions:
UBE3A-related disorder. Also called: UBE3A-related condition.

Allele frequency attached by ClinVar (database versions not stated): gnomAD exomes below 0.00001.
gnomAD v4.1: 2 of 1,613,406 alleles (0.00012%); highest among the groups gnomAD compares: Non-Finnish European, 0.000085%; no homozygotes.

Submission:

PreventionGenetics, part of Exact Sciences
Classification: Likely benign for UBE3A-related condition. Last evaluated: 2023-12-19. Review status: no assertion criteria provided. Collection method: clinical testing. Allele origin: germline.
Comment: This variant is classified as likely benign based on ACMG/AMP sequence variant interpretation guidelines (Richards et al. 2015 PMID: 25741868, with internal and published modifications).

NM_130839.5(UBE3A):c.1188G>A (p.Glu396=)

Genes: SNHG14 (small nucleolar RNA host gene 14; plus strand), UBE3A (ubiquitin protein ligase E3A; minus strand). Cytogenetic location: 15q11.2.
Variant type: single nucleotide variant.
Coding change: c.1188G>A on transcript NM_130839.5 (MANE Select); coding-DNA position 1188, G replaced by A.
Protein change: p.Glu396=; no amino-acid change (glutamic acid 396 retained).
Molecular consequence: synonymous variant. On other transcripts: non-coding transcript variant (1), intron variant (2).
Genome position (GRCh38, 1-based): chr15:25,370,986, C>T on the plus strand (G>A on the coding strand, the complement: UBE3A is on the minus strand). VCF-style: chr15-25370986-C-T. GRCh37 (hg19) VCF-style: chr15-25616133-C-T.
Other names: c.1197G>A, p.Glu399= (NM_000462.5); c.1188G>A, p.Glu396= (NM_001354505.1, NM_001354538.2, NM_001354545.2); c.1128G>A, p.Glu376= (NM_001354506.2, NM_001354507.2, NM_001354508.2 and 17 more transcripts); c.1011G>A, p.Glu337= (NM_001354546.2); c.301+4479G>A (NM_001354551.2); c.361+4479G>A (NM_001354550.2).
Identifiers: ClinVar variation 3030331 (VCV003030331.2), dbSNP rs2552191597, ClinGen allele CA489232342.